The following is an entry in ClinVar:

NM_032785.4(AGBL4):c.595-7T>G

Gene: AGBL4 (AGBL carboxypeptidase 4; minus strand). Cytogenetic location: 1p33.
Variant type: single nucleotide variant.
Coding change: c.595-7T>G on transcript NM_032785.4 (MANE Select); 7 bases into the intron before coding-DNA position 595, T replaced by G.
Molecular consequence: intron variant.
Genome position (GRCh38, 1-based): chr1:48,867,237, A>C on the plus strand (T>G on the coding strand, the complement: AGBL4 is on the minus strand). VCF-style: chr1-48867237-A-C. GRCh37 (hg19) VCF-style: chr1-49332909-A-C.
Other names: c.595-7T>G (NM_001323575.2); c.631-7T>G (NM_001323573.2, NM_001323574.2).
Identifiers: ClinVar variation 3041700 (VCV003041700.2), dbSNP rs764055566, ClinGen allele CA845129.

ClinVar aggregate classification (germline): Likely benign (0 of 4 stars; one submission).

Conditions:
AGBL4-related disorder. Also called: AGBL4-related condition.

Allele frequency attached by ClinVar (database versions not stated): TOPMed below 0.00001; ExAC 0.00002.
gnomAD v4.1: 13 of 1,613,382 alleles (0.00081%); highest among the groups gnomAD compares: Middle Eastern, 0.05%; no homozygotes.

Submission:

PreventionGenetics, part of Exact Sciences
Classification: Likely benign for AGBL4-related condition. Last evaluated: 2019-05-13. Review status: no assertion criteria provided. Collection method: clinical testing. Allele origin: germline.
Comment: This variant is classified as likely benign based on ACMG/AMP sequence variant interpretation guidelines (Richards et al. 2015 PMID: 25741868, with internal and published modifications).